The following is an entry in ClinVar:

ClinVar aggregate classification (germline): Uncertain significance. Review status: criteria provided, multiple submitters, no conflicts (2 of 4 stars). 2 submissions from 2 submitters: Uncertain significance (2). Last evaluated 2024-06-30.

Conditions:
Inborn genetic diseases. Identifiers: MedGen C0950123, MeSH D030342.

Allele frequency attached by ClinVar (database versions not stated): gnomAD 0.00004; gnomAD exomes 0.00005 and 0.00010; TOPMed 0.00006; ExAC 0.00008.
gnomAD v4.1: 34 of 1,610,402 alleles (0.0021%); highest among the groups gnomAD compares: Admixed American, 0.057%; no homozygotes.

Submissions (2):

Ambry Genetics
Classification: Uncertain significance for Inborn genetic diseases. Last evaluated: 2024-06-30. Review status: criteria provided, single submitter. Criteria: Ambry Variant Classification Scheme 2023. Collection method: clinical testing. Allele origin: germline.

Labcorp Genetics (formerly Invitae), Labcorp
Classification: Uncertain significance. Last evaluated: 2022-08-21. Review status: criteria provided, single submitter. Criteria: Invitae Variant Classification Sherloc (09022015). Collection method: clinical testing. Allele origin: germline.
Comment: This sequence change replaces glycine, which is neutral and non-polar, with arginine, which is basic and polar, at codon 74 of the PYROXD1 protein (p.Gly74Arg). The frequency data for this variant in the population databases is considered unreliable, as metrics indicate poor data quality at this position in the gnomAD database. This variant has not been reported in the literature in individuals affected with PYROXD1-related conditions. ClinVar contains an entry for this variant (Variation ID: 1473005). Algorithms developed to predict the effect of missense changes on protein structure and function (SIFT, PolyPhen-2, Align-GVGD) all suggest that this variant is likely to be tolerated. In summary, the available evidence is currently insufficient to determine the role of this variant in disease. Therefore, it has been classified as a Variant of Uncertain Significance.

NM_024854.5(PYROXD1):c.220G>A (p.Gly74Arg)

Gene: PYROXD1 (pyridine nucleotide-disulphide oxidoreductase domain 1; plus strand). Cytogenetic location: 12p12.1.
Variant type: single nucleotide variant.
Coding change: c.220G>A on transcript NM_024854.5 (MANE Select); coding-DNA position 220, G replaced by A.
Protein change: p.Gly74Arg; replaces glycine 74 with arginine.
Molecular consequence: missense variant. On other transcripts: 5 prime UTR variant (1).
Genome position (GRCh38, 1-based): chr12:21,445,401, G>A. VCF-style: chr12-21445401-G-A. GRCh37 (hg19) VCF-style: chr12-21598335-G-A.
Other names: c.7G>A, p.Gly3Arg (NM_001350912.2); c.-484G>A (NM_001350913.2); c.220G>A (NM_024854.3); short protein forms G3R, G74R.
Identifiers: ClinVar variation 1473005 (VCV001473005.4), dbSNP rs764522629, ClinGen allele CA6478141.